The following is an entry in ClinVar:

ClinVar aggregate classification (germline): Likely benign (0 of 4 stars; one submission).

Conditions:
GPRASP2-related disorder. Also called: GPRASP2-related condition.

Allele frequency attached by ClinVar (database versions not stated): gnomAD exomes below 0.00001; TOPMed below 0.00001; gnomAD 0.00001; ESP Exome Variant Server 0.00009.
gnomAD v4.1: 7 of 1,211,455 alleles (0.00058%); highest among the groups gnomAD compares: South Asian, 0.0035%; no homozygotes.

Submission:

PreventionGenetics, part of Exact Sciences
Classification: Likely benign for GPRASP2-related condition. Last evaluated: 2019-03-27. Review status: no assertion criteria provided. Collection method: clinical testing. Allele origin: germline.
Comment: This variant is classified as likely benign based on ACMG/AMP sequence variant interpretation guidelines (Richards et al. 2015 PMID: 25741868, with internal and published modifications).

NM_001004051.4(GPRASP2):c.264G>A (p.Thr88=)

Genes: ARMCX5-GPRASP2 (ARMCX5-GPRASP2 readthrough; plus strand), GPRASP2 (G protein-coupled receptor associated sorting protein 2; plus strand). Cytogenetic location: Xq22.1.
Variant type: single nucleotide variant.
Coding change: c.264G>A on transcript NM_001004051.4 (MANE Select); coding-DNA position 264, G replaced by A.
Protein change: p.Thr88=; no amino-acid change (threonine 88 retained).
Molecular consequence: synonymous variant. On other transcripts: intron variant (3).
Genome position (GRCh38, 1-based): chrX:102,715,133, G>A. VCF-style: chrX-102715133-G-A. GRCh37 (hg19) VCF-style: chrX-101970061-G-A.
Other names: c.264G>A, p.Thr88= (NM_001199818.1, NM_001184874.3, NM_001184875.3 and 2 more transcripts); c.-820+867G>A (NM_001350268.2); c.-752+867G>A (NM_001350269.2); c.-721+867G>A (NM_001350270.1).
Identifiers: ClinVar variation 3047223 (VCV003047223.2), dbSNP rs147409319, ClinGen allele CA333922689.
Genomic context (GRCh38, chrX:102,715,133, plus strand): 5'-AATGTCTGGGGCAAGGCCCAAAACTGAGGTCCAAGTAATGGGTGGTGCAAGACCCAAAAC[G>A]GAGGCTCAAGGAATCACAGGGGCCAGGCCCAAAACCGATGCCAGGGCAGTAGGTGGCGCT-3'
Protein context (NP_001004051.1, residues 78-98): VQVMGGARPK[Thr88=]EAQGITGARP